The following is an entry in ClinVar:

ClinVar aggregate classification (germline): Uncertain significance (1 of 4 stars; one submission).

Conditions:
Primary immunodeficiency with post-measles-mumps-rubella vaccine viral infection. Also called: Immunodeficiency 44. Identifiers: Orphanet 431166, MedGen C4225260, MONDO:0014715, OMIM 616636.

Allele frequency attached by ClinVar (database versions not stated): TOPMed 0.00001.

Submission:

Labcorp Genetics (formerly Invitae), Labcorp
Classification: Uncertain significance for Primary immunodeficiency with post-measles-mumps-rubella vaccine viral infection. Last evaluated: 2021-06-23. Review status: criteria provided, single submitter. Criteria: Invitae Variant Classification Sherloc (09022015). Collection method: clinical testing. Allele origin: germline.
Comment: This variant has not been reported in the literature in individuals with STAT2-related conditions. In summary, the available evidence is currently insufficient to determine the role of this variant in disease. Therefore, it has been classified as a Variant of Uncertain Significance. Advanced modeling of protein sequence and biophysical properties (such as structural, functional, and spatial information, amino acid conservation, physicochemical variation, residue mobility, and thermodynamic stability) performed at Invitae indicates that this missense variant is expected to disrupt STAT2 protein function. This variant is not present in population databases (ExAC no frequency). This sequence change replaces leucine with valine at codon 684 of the STAT2 protein (p.Leu684Val). The leucine residue is weakly conserved and there is a small physicochemical difference between leucine and valine.

NM_005419.4(STAT2):c.2050C>G (p.Leu684Val)

Gene: STAT2 (signal transducer and activator of transcription 2; minus strand). Cytogenetic location: 12q13.3.
Variant type: single nucleotide variant.
Coding change: c.2050C>G on transcript NM_005419.4 (MANE Select); coding-DNA position 2050, C replaced by G.
Protein change: p.Leu684Val; replaces leucine 684 with valine.
Molecular consequence: missense variant.
Genome position (GRCh38, 1-based): chr12:56,346,198, G>C on the plus strand (C>G on the coding strand, the complement: STAT2 is on the minus strand). VCF-style: chr12-56346198-G-C. GRCh37 (hg19) VCF-style: chr12-56739982-G-C.
Other names: c.2017C>G, p.Leu673Val (NM_001385110.1); c.1951C>G, p.Leu651Val (NM_001385111.1); c.2050C>G, p.Leu684Val (NM_001385113.1); c.2029C>G, p.Leu677Val (NM_001385114.1); c.2008C>G, p.Leu670Val (NM_001385115.1); c.2038C>G, p.Leu680Val (NM_198332.2); short protein forms L680V, L684V, L670V, L677V, L651V, L673V.
Identifiers: ClinVar variation 1363262 (VCV001363262.8), dbSNP rs1877427436, ClinGen allele CA385259467.